The following is an entry in ClinVar:

ClinVar aggregate classification (germline): Pathogenic (1 of 4 stars; one submission).

Conditions:
Meckel syndrome, type 11 (MKS11). Identifiers: Orphanet 564, MedGen C3809352, MONDO:0014164, OMIM 615397.
Joubert syndrome 20 (JBTS20). Identifiers: Orphanet 475, MedGen C3554235, MONDO:0013994, OMIM 614970.

gnomAD v4.1: 2 of 1,530,864 alleles (0.00013%); highest among the groups gnomAD compares: Non-Finnish European, 0.00017%; no homozygotes.

Submission:

Labcorp Genetics (formerly Invitae), Labcorp
Classification: Pathogenic for Joubert syndrome 20; Meckel syndrome, type 11. Last evaluated: 2022-12-02. Review status: criteria provided, single submitter. Criteria: Invitae Variant Classification Sherloc (09022015). Collection method: clinical testing. Allele origin: germline.
Comment: For these reasons, this variant has been classified as Pathogenic. This variant has not been reported in the literature in individuals affected with TMEM231-related conditions. This variant is not present in population databases (gnomAD no frequency). This sequence change creates a premature translational stop signal (p.Ser32*) in the TMEM231 gene. It is expected to result in an absent or disrupted protein product. Loss-of-function variants in TMEM231 are known to be pathogenic (PMID: 23012439, 23349226).

Literature cited by the submitters: PubMed 23012439; PubMed 23349226.

NM_001077418.3(TMEM231):c.33C>A (p.Val11=)

Gene: TMEM231 (transmembrane protein 231; minus strand). Cytogenetic location: 16q23.1.
Variant type: single nucleotide variant.
Coding change: c.33C>A on transcript NM_001077418.3 (MANE Select); coding-DNA position 33, C replaced by A.
Protein change: p.Val11=; no amino-acid change (valine 11 retained).
Molecular consequence: synonymous variant. On other transcripts: nonsense (1), non-coding transcript variant (1).
Genome position (GRCh38, 1-based): chr16:75,556,177, G>T on the plus strand (C>A on the coding strand, the complement: TMEM231 is on the minus strand). VCF-style: chr16-75556177-G-T. GRCh37 (hg19) VCF-style: chr16-75590075-G-T.
Other names: c.95C>A, p.Ser32Ter (NM_001077416.2); short protein forms S32*.
Identifiers: ClinVar variation 2941997 (VCV002941997.3), dbSNP rs762837979, ClinGen allele CA396810580.